The following is an entry in ClinVar:

ClinVar aggregate classification (germline): Uncertain significance. Review status: criteria provided, multiple submitters, no conflicts (2 of 4 stars). 3 submissions from 3 submitters: Uncertain significance (2). 1 of the submissions does not count toward it. Last evaluated 2024-11-09.

Conditions:
Inborn genetic diseases. Identifiers: MedGen C0950123, MeSH D030342.
MKKS-related disorder. Also called: MKKS-related condition; MKKS-related disorders.
McKusick-Kaufman syndrome (MKKS). Also called: HYDROMETROCOLPOS SYNDROME; HYDROMETROCOLPOS, POSTAXIAL POLYDACTYLY, AND CONGENITAL HEART MALFORMATION. Identifiers: Orphanet 2473, MedGen C0948368, MONDO:0009367, OMIM 236700.
Bardet-Biedl syndrome (BBS). Identifiers: Orphanet 110, MedGen C0752166, MONDO:0015229.

Allele frequency attached by ClinVar (database versions not stated): ExAC 0.00001; gnomAD exomes 0.00001; TOPMed 0.00001.

Submissions (3):

Ambry Genetics
Classification: Uncertain significance for Inborn genetic diseases. Last evaluated: 2024-11-09. Review status: criteria provided, single submitter. Criteria: Ambry Variant Classification Scheme 2023. Collection method: clinical testing. Allele origin: germline.

Labcorp Genetics (formerly Invitae), Labcorp
Classification: Uncertain significance for McKusick-Kaufman syndrome; Bardet-Biedl syndrome. Last evaluated: 2022-04-01. Review status: criteria provided, single submitter. Criteria: Invitae Variant Classification Sherloc (09022015). Collection method: clinical testing. Allele origin: germline.
Comment: In summary, the available evidence is currently insufficient to determine the role of this variant in disease. Therefore, it has been classified as a Variant of Uncertain Significance. Algorithms developed to predict the effect of missense changes on protein structure and function (SIFT, PolyPhen-2, Align-GVGD) all suggest that this variant is likely to be tolerated. This variant has not been reported in the literature in individuals affected with MKKS-related conditions. This variant is present in population databases (rs762894786, gnomAD 0.007%). This sequence change replaces tryptophan, which is neutral and slightly polar, with arginine, which is basic and polar, at codon 405 of the MKKS protein (p.Trp405Arg).

PreventionGenetics, part of Exact Sciences
Classification: Uncertain significance for MKKS-related condition. Last evaluated: 2024-08-07. Review status: no assertion criteria provided. Collection method: clinical testing. Allele origin: germline. Not counted in ClinVar's aggregate classification.
Comment: The MKKS c.1213T>C variant is predicted to result in the amino acid substitution p.Trp405Arg. To our knowledge, this variant has not been reported in the literature. This variant is reported in 0.0062% of alleles in individuals of African descent in gnomAD. At this time, the clinical significance of this variant is uncertain due to the absence of conclusive functional and genetic evidence.

NM_170784.3(MKKS):c.1213T>C (p.Trp405Arg)

Gene: MKKS (MKKS centrosomal shuttling protein; minus strand). Cytogenetic location: 20p12.2.
Variant type: single nucleotide variant.
Coding change: c.1213T>C on transcript NM_170784.3 (MANE Select); coding-DNA position 1213, T replaced by C.
Protein change: p.Trp405Arg; replaces tryptophan 405 with arginine.
Molecular consequence: missense variant. On other transcripts: non-coding transcript variant (1).
Genome position (GRCh38, 1-based): chr20:10,407,675, A>G on the plus strand (T>C on the coding strand, the complement: MKKS is on the minus strand). VCF-style: chr20-10407675-A-G. GRCh37 (hg19) VCF-style: chr20-10388323-A-G.
Other names: c.1213T>C, p.Trp405Arg (NM_018848.3); c.1213T>C (NM_018848.2); short protein forms W405R.
Identifiers: ClinVar variation 2146672 (VCV002146672.4), dbSNP rs762894786, ClinGen allele CA9763530.